The following is an entry in ClinVar:

NM_004064.5(CDKN1B):c.11T>C (p.Val4Ala)

Gene: CDKN1B (cyclin dependent kinase inhibitor 1B; plus strand). Cytogenetic location: 12p13.1.
Variant type: single nucleotide variant.
Coding change: c.11T>C on transcript NM_004064.5 (MANE Select); coding-DNA position 11, T replaced by C.
Protein change: p.Val4Ala; replaces valine 4 with alanine.
Molecular consequence: missense variant.
Genome position (GRCh38, 1-based): chr12:12,717,850, T>C. VCF-style: chr12-12717850-T-C. GRCh37 (hg19) VCF-style: chr12-12870784-T-C.
Other names: short protein forms V4A.
Identifiers: ClinVar variation 941633 (VCV000941633.9), dbSNP rs1946485501, ClinGen allele CA383967901.

ClinVar aggregate classification (germline): Uncertain significance (1 of 4 stars; one submission).

Conditions:
Multiple endocrine neoplasia type 4. Also called: MULTIPLE ENDOCRINE NEOPLASIA, TYPE IV. Identifiers: Orphanet 276152, MedGen C1970712, MONDO:0012552, OMIM 610755.

Submission:

Labcorp Genetics (formerly Invitae), Labcorp
Classification: Uncertain significance for Multiple endocrine neoplasia type 4. Last evaluated: 2019-08-10. Review status: criteria provided, single submitter. Criteria: Invitae Variant Classification Sherloc (09022015). Collection method: clinical testing. Allele origin: germline.
Comment: This sequence change replaces valine with alanine at codon 4 of the CDKN1B protein (p.Val4Ala). The valine residue is highly conserved and there is a small physicochemical difference between valine and alanine. This variant is not present in population databases (ExAC no frequency). This variant has not been reported in the literature in individuals with CDKN1B-related conditions. Algorithms developed to predict the effect of missense changes on protein structure and function are either unavailable or do not agree on the potential impact of this missense change (SIFT: "Deleterious"; PolyPhen-2: "Benign"; Align-GVGD: "Class C55"). In summary, the available evidence is currently insufficient to determine the role of this variant in disease. Therefore, it has been classified as a Variant of Uncertain Significance.